The following is an entry in ClinVar:

ClinVar aggregate classification (germline): Uncertain significance. Review status: criteria provided, multiple submitters, no conflicts (2 of 4 stars). 6 submissions from 6 submitters: Uncertain significance (6). Last evaluated 2025-10-02.

Conditions:
RYR1-related disorder. Also called: RYR1-related condition; RYR1-related disorders. Identifiers: MedGen CN239331.
Malignant hyperthermia, susceptibility to, 1 (MHS1). Also called: Malignant hyperthermia suceptibility 1; Anesthesia related hyperthermia; Malignant hyperpyrexia; Fulminating hyperpyrexia; Pharmacogenic myopathy; RYR1-Related Malignant Hyperthermia Susceptibility. Identifiers: Orphanet 423, MedGen C2930980, MONDO:0007783, OMIM 145600.
Inborn genetic diseases. Identifiers: MedGen C0950123, MeSH D030342.

Allele frequency attached by ClinVar (database versions not stated): TOPMed below 0.00001; gnomAD 0.00001; ExAC 0.00002; gnomAD exomes 0.00002.
gnomAD v4.1: 18 of 1,613,994 alleles (0.0011%); highest among the groups gnomAD compares: South Asian, 0.0022%; 1 homozygote.

Submissions (6):

Labcorp Genetics (formerly Invitae), Labcorp
Classification: Uncertain significance for RYR1-related disorder. Last evaluated: 2025-10-02. Review status: criteria provided, single submitter. Criteria: Invitae Variant Classification Sherloc (09022015). Collection method: clinical testing. Allele origin: germline.
Comment: This sequence change replaces threonine, which is neutral and polar, with methionine, which is neutral and non-polar, at codon 5005 of the RYR1 protein (p.Thr5005Met). This variant is present in population databases (rs763710371, gnomAD 0.004%). This variant has not been reported in the literature in individuals affected with RYR1-related conditions. ClinVar contains an entry for this variant (Variation ID: 1011318). Invitae Evidence Modeling of protein sequence and biophysical properties (such as structural, functional, and spatial information, amino acid conservation, physicochemical variation, residue mobility, and thermodynamic stability) has been performed for this missense variant. However, the output from this modeling did not meet the statistical confidence thresholds required to predict the impact of this variant on RYR1 protein function. In summary, the available evidence is currently insufficient to determine the role of this variant in disease. Therefore, it has been classified as a Variant of Uncertain Significance.

Blueprint Genetics
Classification: Uncertain significance. Last evaluated: 2024-09-10. Review status: criteria provided, single submitter. Criteria: ACMG Guidelines, 2015. Collection method: clinical testing. Allele origin: germline.

Color Diagnostics, LLC DBA Color Health
Classification: Uncertain significance for Malignant hyperthermia, susceptibility to, 1. Last evaluated: 2024-06-17. Review status: criteria provided, single submitter. Criteria: ACMG Guidelines, 2015. Collection method: clinical testing. Allele origin: germline.
Comment: This missense variant replaces threonine with methionine at codon 5005 of the RYR1 protein. Computational prediction suggests that this variant may have deleterious impact on protein structure and function. To our knowledge, functional studies have not been reported for this variant. This variant has not been reported in individuals affected with RYR1-related disorders in the literature. This variant has been identified in 5/251494 chromosomes in the general population by the Genome Aggregation Database (gnomAD). The available evidence is insufficient to determine the role of this variant in disease conclusively. Therefore, this variant is classified as a Variant of Uncertain Significance.

CeGaT Center for Human Genetics Tuebingen
Classification: Uncertain significance. Last evaluated: 2023-10-01. Review status: criteria provided, single submitter. Criteria: CeGaT Center For Human Genetics Tuebingen Variant Classification Criteria Version 2. Collection method: clinical testing. Allele origin: germline. Affected: yes. Observed: 1 variant allele.
Comment: RYR1: PP3

Revvity Omics, Revvity
Classification: Uncertain significance. Last evaluated: 2022-04-01. Review status: criteria provided, single submitter. Criteria: ACMG Guidelines, 2015. Collection method: clinical testing. Allele origin: germline.

Ambry Genetics
Classification: Uncertain significance for Inborn genetic diseases. Last evaluated: 2021-08-10. Review status: criteria provided, single submitter. Criteria: Ambry Variant Classification Scheme 2023. Collection method: clinical testing. Allele origin: germline.

NM_000540.3(RYR1):c.15014C>T (p.Thr5005Met)

Gene: RYR1 (ryanodine receptor 1; plus strand). Cytogenetic location: 19q13.2.
Variant type: single nucleotide variant.
Coding change: c.15014C>T on transcript NM_000540.3 (MANE Select); coding-DNA position 15014, C replaced by T.
Protein change: p.Thr5005Met; replaces threonine 5005 with methionine.
Molecular consequence: missense variant.
Genome position (GRCh38, 1-based): chr19:38,586,569, C>T. VCF-style: chr19-38586569-C-T. GRCh37 (hg19) VCF-style: chr19-39077209-C-T.
Other names: c.14999C>T, p.Thr5000Met (NM_001042723.2); c.15014C>T (NM_000540.2); short protein forms T5000M, T5005M.
Identifiers: ClinVar variation 1011318 (VCV001011318.36), dbSNP rs763710371, ClinGen allele CA061953.